The following is an entry in ClinVar:

ClinVar aggregate classification (germline): Likely benign. Review status: criteria provided, multiple submitters, no conflicts (2 of 4 stars). 2 submissions from 2 submitters: Likely benign (2). Last evaluated 2020-04-06.

Conditions:
Developmental and epileptic encephalopathy. Identifiers: MedGen C5779964, MONDO:0100620.

Submissions (2):

Labcorp Genetics (formerly Invitae), Labcorp
Classification: Likely benign for Early-infantile DEE. Last evaluated: 2020-04-06. Review status: criteria provided, single submitter. Criteria: Invitae Variant Classification Sherloc (09022015). Collection method: clinical testing. Allele origin: germline.

GeneDx
Classification: Likely benign. Last evaluated: 2018-04-11. Review status: criteria provided, single submitter. Criteria: GeneDx Variant Classification (06012015). Collection method: clinical testing. Allele origin: germline. Affected: yes.
Comment: This variant is considered likely benign or benign based on one or more of the following criteria: it is a conservative change, it occurs at a poorly conserved position in the protein, it is predicted to be benign by multiple in silico algorithms, and/or has population frequency not consistent with disease.

NM_001165963.4(SCN1A):c.5632_5634delinsAAT (p.Glu1878Asn)

Genes: SCN1A (sodium voltage-gated channel alpha subunit 1; minus strand), LOC102724058 (uncharacterized LOC102724058; plus strand). Cytogenetic location: 2q24.3.
Variant type: Indel.
Coding change: c.5632_5634delinsAAT on transcript NM_001165963.4 (MANE Select); coding-DNA positions 5632 to 5634, GAG replaced by AAT.
Protein change: p.Glu1878Asn; replaces glutamic acid 1878 with asparagine.
Molecular consequence: missense variant. On other transcripts: non-coding transcript variant (1).
Genome position (GRCh38, 1-based): chr2:165,991,641-165,991,643, CTC replaced by ATT on the plus strand (GAG replaced by AAT on the coding strand, the reverse complement: SCN1A is on the minus strand). VCF-style: chr2-165991641-CTC-ATT. GRCh37 (hg19) VCF-style: chr2-166848151-CTC-ATT.
Other names: c.5548_5550delinsAAT, p.Glu1850Asn (NM_001165964.3, NM_001353957.2, NM_001353958.2); c.5632_5634delinsAAT, p.Glu1878Asn (NM_001202435.3, NM_001353948.2); c.5599_5601delinsAAT, p.Glu1867Asn (NM_001353949.2, NM_001353950.2, NM_001353951.2 and 2 more transcripts); c.5596_5598delinsAAT, p.Glu1866Asn (NM_001353954.2, NM_001353955.2); c.5545_5547delinsAAT, p.Glu1849Asn (NM_001353960.2); c.3190_3192delinsAAT, p.Glu1064Asn (NM_001353961.2); c.5632_5634delGAGinsAAT (NM_001165963.1); short protein forms E1866N, E1878N, E1064N, E1849N, E1850N, E1867N.
Identifiers: ClinVar variation 648916 (VCV000648916.5), dbSNP rs1573944260, ClinGen allele CA915942863.